The following is an entry in ClinVar:

NM_000535.7(PMS2):c.751G>A (p.Val251Met)

Gene: PMS2 (PMS1 homolog 2, mismatch repair system component; minus strand). Cytogenetic location: 7p22.1.
Variant type: single nucleotide variant.
Coding change: c.751G>A on transcript NM_000535.7 (MANE Select); coding-DNA position 751, G replaced by A.
Protein change: p.Val251Met; replaces valine 251 with methionine.
Molecular consequence: missense variant. On other transcripts: 5 prime UTR variant (2), non-coding transcript variant (1).
Genome position (GRCh38, 1-based): chr7:5,997,378, C>T on the plus strand (G>A on the coding strand, the complement: PMS2 is on the minus strand). VCF-style: chr7-5997378-C-T. GRCh37 (hg19) VCF-style: chr7-6037009-C-T.
Other names: p.V251M:GTG>ATG; c.346G>A, p.Val116Met (NM_001322003.2, NM_001322004.2, NM_001322005.2 and 2 more transcripts); c.751G>A, p.Val251Met (NM_001322006.2, NM_001322014.2); c.433G>A, p.Val145Met (NM_001322007.2, NM_001322008.2); c.-183G>A (NM_001322011.2, NM_001322012.2); c.178G>A, p.Val60Met (NM_001322013.2); c.442G>A, p.Val148Met (NM_001322015.2); short protein forms V251M, V148M, V60M, V116M, V145M.
Identifiers: ClinVar variation 182801 (VCV000182801.61), dbSNP rs142434011, ClinGen allele CA012744.

ClinVar aggregate classification (germline): Conflicting classifications of pathogenicity. Review status: criteria provided, conflicting classifications (1 of 4 stars). 15 submissions from 15 submitters: Uncertain significance (11); Benign (1); Likely benign (1). 2 of the submissions do not count toward it. Last evaluated 2026-03-06.

Conditions:
PMS2-related disorder. Also called: PMS2-related condition.
Hereditary nonpolyposis colorectal neoplasms. Identifiers: MedGen C0009405, MeSH D003123.
Hereditary cancer-predisposing syndrome. Also called: Tumor predisposition; Neoplastic Syndromes, Hereditary; Hereditary Cancer Syndrome; Hereditary neoplastic syndrome. Identifiers: Orphanet 140162, MedGen C0027672, MeSH D009386, MONDO:0015356.
Lynch syndrome. Identifiers: Orphanet 144, MedGen C4552100, MONDO:0005835. Disease mechanism: loss of function.
Lynch syndrome 4 (LYNCH4). Also called: Hereditary non-polyposis colorectal cancer, type 4; Colorectal cancer, hereditary nonpolyposis, type 4. Identifiers: Orphanet 144, MedGen C1838333, MONDO:0013699, OMIM 614337. Disease mechanism: loss of function.

Allele frequency attached by ClinVar (database versions not stated): gnomAD 0.00003; TOPMed 0.00004; ESP Exome Variant Server 0.00008.

Submissions (16):

Women's Health and Genetics/Laboratory Corporation of America, LabCorp
Classification: Uncertain significance. Last evaluated: 2026-03-06. Review status: criteria provided, single submitter. Criteria: LabCorp Variant Classification Summary - May 2015. Collection method: clinical testing. Allele origin: germline.
Comment: Variant summary: PMS2 c.751G>A (p.Val251Met) results in a conservative amino acid change located in the Ribosomal protein S5 domain 2-like domain (IPR020568) of the encoded protein sequence. Algorithms developed to predict the effect of missense changes on protein structure and function are either unavailable or do not agree on the potential impact of this missense change. The variant allele was found at a frequency of 1.6e-05 in 250208 control chromosomes. The available data on variant occurrences in the general population are insufficient to allow any conclusion about variant significance. c.751G>A has been reported in the literature in individuals affected with early onset colorectal cancer or an unspecified hereditary cancer, both without evidence of causality (e.g. Zhunussova_2019, Sjursen_2024). These reports do not provide unequivocal conclusions about association of the variant with Hereditary Nonpolyposis Colorectal Cancer. A co-occurrence with another pathogenic variant was identified through internal testing (CHEK2 c.1100delC, p.Thr367MetfsX15), providing supporting evidence for a benign role. To our knowledge, no experimental evidence demonstrating an impact on protein function has been reported. The following publications have been ascertained in the context of this evaluation (PMID: 39334433, 31428572, 35449176). ClinVar contains an entry for this variant (Variation ID: 182801). Based on the evidence outlined above, the variant was classified as uncertain significance.

Labcorp Genetics (formerly Invitae), Labcorp
Classification: Benign for Hereditary nonpolyposis colorectal neoplasms. Last evaluated: 2026-01-28. Review status: criteria provided, single submitter. Criteria: Invitae Variant Classification Sherloc (09022015). Collection method: clinical testing. Allele origin: germline.

Color Diagnostics, LLC DBA Color Health
Classification: Uncertain significance for Hereditary cancer-predisposing syndrome. Last evaluated: 2025-11-19. Review status: criteria provided, single submitter. Criteria: ACMG Guidelines, 2015. Collection method: clinical testing. Allele origin: germline.
Comment: This missense variant replaces valine with methionine at codon 251 of the PMS2 protein. Computational prediction is inconclusive regarding the impact of this variant on protein structure and function. To our knowledge, functional studies have not been reported for this variant. This variant has been reported in an individual affected with early onset colorectal cancer (PMID: 31428572). This variant has been identified in 95/1605898 chromosomes in the general population by the Genome Aggregation Database (gnomAD). The available evidence is insufficient to determine the role of this variant in disease conclusively. Therefore, this variant is classified as a Variant of Uncertain Significance.

CeGaT Center for Human Genetics Tuebingen
Classification: Uncertain significance. Last evaluated: 2025-10-01. Review status: criteria provided, single submitter. Criteria: CeGaT Center For Human Genetics Tuebingen Variant Classification Criteria Version 2. Collection method: clinical testing. Allele origin: germline. Affected: yes. Observed: 1 variant allele.

GeneDx
Classification: Uncertain significance. Last evaluated: 2025-05-28. Review status: criteria provided, single submitter. Criteria: GeneDx Variant Classification Process June 2021. Collection method: clinical testing. Allele origin: germline. Affected: yes.
Comment: Not observed at significant frequency in large population cohorts (gnomAD); In silico analysis suggests that this missense variant does not alter protein structure/function; This variant is associated with the following publications: (PMID: 35449176, 31428572, 11574484, 39334433)

Center for Genomic Medicine, Rigshospitalet, Copenhagen University Hospital
Classification: Uncertain significance. Last evaluated: 2025-03-04. Review status: criteria provided, single submitter. Criteria: ACMG Guidelines, 2015. Collection method: clinical testing. Allele origin: germline.

Molecular Pathology, Peter Maccallum Cancer Centre
Classification: Uncertain significance for Lynch syndrome 4. Last evaluated: 2024-01-31. Review status: criteria provided, single submitter. Criteria: ACMG Guidelines, 2015. Collection method: clinical testing. Allele origin: germline. Inheritance: Autosomal dominant inheritance.

All of Us Research Program, National Institutes of Health
Classification: Uncertain significance for Lynch syndrome. Last evaluated: 2024-01-11. Review status: criteria provided, single submitter. Criteria: ACMG Guidelines, 2015. Collection method: clinical testing. Allele origin: germline. Inheritance: Autosomal dominant inheritance. Observed: 15 variant alleles, 15 heterozygotes.
Comment: This missense variant replaces valine with methionine at codon 251 of the PMS2 protein. Computational prediction is inconclusive regarding the impact of this variant on protein structure and function (internally defined REVEL score threshold 0.5 < inconclusive < 0.7, PMID: 27666373). To our knowledge, functional studies have not been reported for this variant. This variant has been reported in an individual affected with early onset colorectal cancer (PMID: 31428572). This individual also carried a pathogenic variant in the MUTYH gene that could explain the observed phenotype. This variant has been identified in 6/281164 chromosomes in the general population by the Genome Aggregation Database (gnomAD). The available evidence is insufficient to determine the role of this variant in disease conclusively. Therefore, this variant is classified as a Variant of Uncertain Significance.

This study involves interpretation of variants in research participants for the purpose of population health screening. Participant phenotype was not available at the time of variant classification. Additional details can be found in publication PMID: 35346344, PMCID: PMC8962531

Department of Pathology and Laboratory Medicine, Sinai Health System
Classification: Uncertain significance for Lynch syndrome. Last evaluated: 2023-11-06. Review status: criteria provided, single submitter. Criteria: ACMG Guidelines, 2015. Collection method: clinical testing. Allele origin: germline. Affected: yes.

Baylor Genetics
Classification: Uncertain significance for Lynch syndrome 4. Last evaluated: 2023-10-31. Review status: criteria provided, single submitter. Criteria: ACMG Guidelines, 2015. Collection method: clinical testing. Allele origin: unknown.

Blueprint Genetics
Classification: Uncertain significance. Last evaluated: 2022-09-07. Review status: criteria provided, single submitter. Criteria: ACMG Guidelines, 2015. Collection method: clinical testing. Allele origin: germline.

Ambry Genetics
Classification: Likely benign for Hereditary cancer-predisposing syndrome. Last evaluated: 2022-08-29. Review status: criteria provided, single submitter. Criteria: Ambry Variant Classification Scheme 2023. Collection method: clinical testing. Allele origin: germline.

Quest Diagnostics Nichols Institute San Juan Capistrano
Classification: Uncertain significance. Last evaluated: 2022-08-23. Review status: criteria provided, single submitter. Criteria: Quest Diagnostics criteria. Collection method: clinical testing. Allele origin: unknown.
Comment: The frequency of this variant in the general population, 0.000031 (4/128504 chromosomes), is uninformative in assessment of its pathogenicity. In the published literature, the variant has been reported in an individual with colorectal cancer (PMID: 31428572 (2019)). Analysis of this variant using bioinformatics tools for the prediction of the effect of amino acid changes on protein structure and function yielded conflicting predictions that this variant is benign or damaging. Based on the available information, we are unable to determine the clinical significance of this variant.

PreventionGenetics, part of Exact Sciences
Classification: Likely benign for PMS2-related condition. Last evaluated: 2022-03-09. Review status: no assertion criteria provided. Collection method: clinical testing. Allele origin: germline. Not counted in ClinVar's aggregate classification.
Comment: This variant is classified as likely benign based on ACMG/AMP sequence variant interpretation guidelines (Richards et al. 2015 PMID: 25741868, with internal and published modifications).

True Health Diagnostics
Classification: Uncertain significance for Hereditary cancer-predisposing syndrome. Last evaluated: 2018-06-18. Review status: no assertion criteria provided. Collection method: clinical testing. Allele origin: germline. Not counted in ClinVar's aggregate classification.

Dr. Peter K. Rogan Lab, Western University
No classification provided (evidence only). Condition: Malignant tumor of esophagus. Review status: no classification provided. Collection method: in vitro. Allele origin: not applicable. Functional consequence: retained intron. Not counted in ClinVar's aggregate classification.

Literature cited by the submitters: PubMed 31428572 (cited by 6 submitters); PubMed 35449176 (cited by Women's Health and Genetics/Laboratory Corporation of America, LabCorp); PubMed 39334433 (cited by Women's Health and Genetics/Laboratory Corporation of America, LabCorp).